The following is an entry in ClinVar:

NM_014727.3(KMT2B):c.4234G>T (p.Gly1412Cys)

Gene: KMT2B (lysine methyltransferase 2B; plus strand). Cytogenetic location: 19q13.12.
Variant type: single nucleotide variant.
Coding change: c.4234G>T on transcript NM_014727.3 (MANE Select); coding-DNA position 4234, G replaced by T.
Protein change: p.Gly1412Cys; replaces glycine 1412 with cysteine.
Molecular consequence: missense variant.
Genome position (GRCh38, 1-based): chr19:35,727,554, G>T. VCF-style: chr19-35727554-G-T. GRCh37 (hg19) VCF-style: chr19-36218455-G-T.
Other names: short protein forms G1412C.
Identifiers: ClinVar variation 3719640 (VCV003719640.2).

ClinVar aggregate classification (germline): Uncertain significance (1 of 4 stars; one submission).

Submission:

Labcorp Genetics (formerly Invitae), Labcorp
Classification: Uncertain significance. Last evaluated: 2026-01-05. Review status: criteria provided, single submitter. Criteria: Invitae Variant Classification Sherloc (09022015). Collection method: clinical testing. Allele origin: germline.
Comment: This sequence change replaces glycine, which is neutral and non-polar, with cysteine, which is neutral and slightly polar, at codon 1412 of the KMT2B protein (p.Gly1412Cys). This variant is not present in population databases (gnomAD no frequency). This variant has not been reported in the literature in individuals affected with KMT2B-related conditions. ClinVar contains an entry for this variant (Variation ID: 3719640). Invitae Evidence Modeling of protein sequence and biophysical properties (such as structural, functional, and spatial information, amino acid conservation, physicochemical variation, residue mobility, and thermodynamic stability) has been performed for this missense variant. However, the output from this modeling did not meet the statistical confidence thresholds required to predict the impact of this variant on KMT2B protein function. In summary, the available evidence is currently insufficient to determine the role of this variant in disease. Therefore, it has been classified as a Variant of Uncertain Significance.